The following is an entry in ClinVar:

NM_000531.6(OTC):c.609del (p.Ile204fs)

Gene: OTC (ornithine transcarbamylase; plus strand). Cytogenetic location: Xp11.4.
Variant type: Deletion.
Coding change: c.609del on transcript NM_000531.6 (MANE Select); coding-DNA position 609, one base deleted (C; older notation c.609delC).
Protein change: p.Ile204fs; shifts the reading frame from isoleucine 204.
Molecular consequence: frameshift variant.
Genome position (GRCh38, 1-based): chrX:38,403,686, C deleted; the last of 2 consecutive C bases (chrX:38,403,685-38,403,686); deleting either gives the same sequence. VCF-style (leftmost placement, unchanged base first): chrX-38403684-TC-T. GRCh37 (hg19) VCF-style: chrX-38262937-TC-T.
Other names: c.609delC, p.Ile204Serfs (NM_001407092.1); short protein forms I204fs.
Identifiers: ClinVar variation 2094080 (VCV002094080.4), dbSNP rs2519975452, ClinGen allele CA2579584838.

ClinVar aggregate classification (germline): Pathogenic (1 of 4 stars; one submission).

Conditions:
Ornithine carbamoyltransferase deficiency (OTCD). Also called: Ornithine Carbamoyltransferase Deficiency Disease; ORNITHINE TRANSCARBAMYLASE DEFICIENCY; ORNITHINE TRANSCARBAMYLASE DEFICIENCY, HYPERAMMONEMIA DUE TO; OTC DEFICIENCY. Identifiers: Orphanet 664, MedGen C0268542, MONDO:0010703, OMIM 311250.

Submission:

Labcorp Genetics (formerly Invitae), Labcorp
Classification: Pathogenic for Ornithine carbamoyltransferase deficiency. Last evaluated: 2022-02-06. Review status: criteria provided, single submitter. Criteria: Invitae Variant Classification Sherloc (09022015). Collection method: clinical testing. Allele origin: germline.
Comment: For these reasons, this variant has been classified as Pathogenic. This variant has not been reported in the literature in individuals affected with OTC-related conditions. This variant is not present in population databases (gnomAD no frequency). This sequence change creates a premature translational stop signal (p.Ile204Serfs*2) in the OTC gene. It is expected to result in an absent or disrupted protein product. Loss-of-function variants in OTC are known to be pathogenic (PMID: 10946359, 16786505).

Literature cited by the submitters: PubMed 10946359; PubMed 16786505.